The following is an entry in ClinVar:

NM_015978.3(TNNI3K):c.1013G>T (p.Arg338Met)

Genes: FPGT-TNNI3K (FPGT-TNNI3K readthrough; plus strand), TNNI3K (TNNI3 interacting kinase; plus strand). Cytogenetic location: 1p31.1.
Variant type: single nucleotide variant.
Coding change: c.1013G>T on transcript NM_015978.3 (MANE Select); coding-DNA position 1013, G replaced by T.
Protein change: p.Arg338Met; replaces arginine 338 with methionine.
Molecular consequence: missense variant.
Genome position (GRCh38, 1-based): chr1:74,353,346, G>T. VCF-style: chr1-74353346-G-T. GRCh37 (hg19) VCF-style: chr1-74819030-G-T.
Other names: c.1316G>T, p.Arg439Met (NM_001112808.3, NM_001199327.2); c.1355G>T (NM_001112808.2); short protein forms R439M, R338M.
Identifiers: ClinVar variation 1523109 (VCV001523109.9), dbSNP rs2100478258, ClinGen allele CA340783845.
Genomic context (GRCh38, chr1:74,353,346, plus strand): 5'-GCATTGACCTAGTCAAATTTCTTCTTGATCAGAATGTCATAAACATCAACCACCAAGGAA[G>T]GGATGGGCACACTGGTAAGACTGTGGTGAAAACACCACTAGTTCTATATGCTTATCAATG-3'
Protein context (NP_057062.1, residues 328-348): QNVININHQG[Arg338Met]DGHTGLHSAC

ClinVar aggregate classification (germline): Uncertain significance. Review status: criteria provided, multiple submitters, no conflicts (2 of 4 stars). 2 submissions from 2 submitters: Uncertain significance (2). Last evaluated 2025-08-25.

Allele frequency attached by ClinVar (database versions not stated): gnomAD exomes below 0.00001.
gnomAD v4.1: 1 of 1,613,772 alleles (0.000062%); highest among the groups gnomAD compares: South Asian, 0.0011%; no homozygotes.

Submissions (2):

Ambry Genetics
Classification: Uncertain significance. Last evaluated: 2025-08-25. Review status: criteria provided, single submitter. Criteria: Ambry Variant Classification Scheme 2023. Collection method: clinical testing. Allele origin: germline.

Labcorp Genetics (formerly Invitae), Labcorp
Classification: Uncertain significance. Last evaluated: 2022-11-01. Review status: criteria provided, single submitter. Criteria: Invitae Variant Classification Sherloc (09022015). Collection method: clinical testing. Allele origin: germline.
Comment: Advanced modeling of protein sequence and biophysical properties (such as structural, functional, and spatial information, amino acid conservation, physicochemical variation, residue mobility, and thermodynamic stability) performed at Invitae indicates that this missense variant is not expected to disrupt TNNI3K protein function. In summary, the available evidence is currently insufficient to determine the role of this variant in disease. Therefore, it has been classified as a Variant of Uncertain Significance. ClinVar contains an entry for this variant (Variation ID: 1523109). This variant has not been reported in the literature in individuals affected with TNNI3K-related conditions. This variant is not present in population databases (gnomAD no frequency). This sequence change replaces arginine, which is basic and polar, with methionine, which is neutral and non-polar, at codon 338 of the TNNI3K protein (p.Arg338Met).